The following is an entry in ClinVar:

NM_000059.4(BRCA2):c.3304A>C (p.Asn1102His)

Gene: BRCA2 (BRCA2 DNA repair associated; plus strand). Cytogenetic location: 13q13.1.
Variant type: single nucleotide variant.
Coding change: c.3304A>C on transcript NM_000059.4 (MANE Select); coding-DNA position 3304, A replaced by C.
Protein change: p.Asn1102His; replaces asparagine 1102 with histidine.
Molecular consequence: missense variant.
Genome position (GRCh38, 1-based): chr13:32,337,659, A>C. VCF-style: chr13-32337659-A-C. GRCh37 (hg19) VCF-style: chr13-32911796-A-C.
Other names: short protein forms N1102H.
Identifiers: ClinVar variation 185945 (VCV000185945.7), dbSNP rs28897719, ClinGen allele CA017752.

ClinVar aggregate classification (germline): Conflicting classifications of pathogenicity. Review status: criteria provided, conflicting classifications (1 of 4 stars). 2 submissions from 2 submitters: Uncertain significance (1); Likely benign (1). Last evaluated 2023-03-23.

Conditions:
Hereditary cancer-predisposing syndrome. Also called: Hereditary neoplastic syndrome; Neoplastic Syndromes, Hereditary; Tumor predisposition; Hereditary Cancer Syndrome. Identifiers: Orphanet 140162, MedGen C0027672, MeSH D009386, MONDO:0015356.

Submissions (2):

University of Washington Department of Laboratory Medicine, University of Washington
Classification: Likely benign for Hereditary cancer-predisposing syndrome. Last evaluated: 2023-03-23. Review status: criteria provided, single submitter. Criteria: Dines et al. (Genet Med. 2020). Collection method: curation. Allele origin: germline.
Comment: Missense variant in a coldspot region where missense variants are very unlikely to be pathogenic (PMID:31911673).

BRCA2 exon 11 coldspot. Reclassification based on statistical prior probability.

Ambry Genetics
Classification: Uncertain significance for Hereditary cancer-predisposing syndrome. Last evaluated: 2022-03-29. Review status: criteria provided, single submitter. Criteria: Ambry Variant Classification Scheme 2023. Collection method: clinical testing. Allele origin: germline.
Comment: The p.N1102H variant (also known as c.3304A>C), located in coding exon 10 of the BRCA2 gene, results from an A to C substitution at nucleotide position 3304. The asparagine at codon 1102 is replaced by histidine, an amino acid with similar properties. This amino acid position is not well conserved in available vertebrate species. In addition, this alteration is predicted to be tolerated by in silico analysis. Since supporting evidence is limited at this time, the clinical significance of this alteration remains unclear.